The following is an entry in ClinVar:

NM_020778.5(ALPK3):c.2054A>G (p.Lys685Arg)

Gene: ALPK3 (alpha kinase 3; plus strand). Cytogenetic location: 15q25.3.
Variant type: single nucleotide variant.
Coding change: c.2054A>G on transcript NM_020778.5 (MANE Select); coding-DNA position 2054, A replaced by G.
Protein change: p.Lys685Arg; replaces lysine 685 with arginine.
Molecular consequence: missense variant.
Genome position (GRCh38, 1-based): chr15:84,856,792, A>G. VCF-style: chr15-84856792-A-G. GRCh37 (hg19) VCF-style: chr15-85400023-A-G.
Other names: short protein forms K685R.
Identifiers: ClinVar variation 2625922 (VCV002625922.2), dbSNP rs2505719516, ClinGen allele CA393355752.

ClinVar aggregate classification (germline): Uncertain significance (1 of 4 stars; one submission).

Conditions:
Cardiovascular phenotype. Identifiers: MedGen CN230736.

Submission:

Ambry Genetics
Classification: Uncertain significance for Cardiovascular phenotype. Last evaluated: 2023-07-31. Review status: criteria provided, single submitter. Criteria: Ambry Variant Classification Scheme 2023. Collection method: clinical testing. Allele origin: germline.
Comment: The p.K887R variant (also known as c.2660A>G), located in coding exon 6 of the ALPK3 gene, results from an A to G substitution at nucleotide position 2660. The lysine at codon 887 is replaced by arginine, an amino acid with highly similar properties. This amino acid position is conserved. In addition, this alteration is predicted to be tolerated by in silico analysis. Since supporting evidence is limited at this time, the clinical significance of this alteration remains unclear.